The following is an entry in ClinVar:

ClinVar aggregate classification (germline): Likely benign. Review status: criteria provided, multiple submitters, no conflicts (2 of 4 stars). 2 submissions from 2 submitters: Likely benign (2). Last evaluated 2018-06-16.

Allele frequency attached by ClinVar (database versions not stated): 1000 Genomes Project 0.01258; 1000 Genomes Project 30x 0.01296; TOPMed 0.02204; gnomAD 0.02218 and 0.02250; gnomAD exomes 0.03309.
gnomAD v4.1: 34,821 of 1,105,884 alleles (3.1%); highest among the groups gnomAD compares: Non-Finnish European, 3.9%; 606 homozygotes.

Submissions (2):

GeneDx
Classification: Likely benign. Last evaluated: 2018-06-16. Review status: criteria provided, single submitter. Criteria: GeneDx Variant Classification (06012015). Collection method: clinical testing. Allele origin: germline. Affected: yes.
Comment: This variant is considered likely benign or benign based on one or more of the following criteria: it is a conservative change, it occurs at a poorly conserved position in the protein, it is predicted to be benign by multiple in silico algorithms, and/or has population frequency not consistent with disease.

Breakthrough Genomics
Classification: Likely benign. Review status: criteria provided, single submitter. Criteria: ACMG Guidelines, 2015. Collection method: not provided. Allele origin: germline. Inheritance: Autosomal recessive inheritance. Affected: yes.

NM_018429.3(BDP1):c.1015-58A>T

Gene: BDP1 (BDP1 general transcription factor IIIB subunit; plus strand). Cytogenetic location: 5q13.2.
Variant type: single nucleotide variant.
Coding change: c.1015-58A>T on transcript NM_018429.3 (MANE Select); 58 bases into the intron before coding-DNA position 1015, A replaced by T.
Molecular consequence: intron variant.
Genome position (GRCh38, 1-based): chr5:71,483,784, A>T. VCF-style: chr5-71483784-A-T. GRCh37 (hg19) VCF-style: chr5-70779611-A-T.
Identifiers: ClinVar variation 682761 (VCV000682761.2), dbSNP rs11953420, ClinGen allele CA119975693.